The following is an entry in ClinVar:

NM_002334.4(LRP4):c.616G>A (p.Asp206Asn)

Gene: LRP4 (LDL receptor related protein 4; minus strand). Cytogenetic location: 11p11.2.
Variant type: single nucleotide variant.
Coding change: c.616G>A on transcript NM_002334.4 (MANE Select); coding-DNA position 616, G replaced by A.
Protein change: p.Asp206Asn; replaces aspartic acid 206 with asparagine.
Molecular consequence: missense variant.
Genome position (GRCh38, 1-based): chr11:46,898,964, C>T on the plus strand (G>A on the coding strand, the complement: LRP4 is on the minus strand). VCF-style: chr11-46898964-C-T. GRCh37 (hg19) VCF-style: chr11-46920515-C-T.
Other names: short protein forms D206N.
Identifiers: ClinVar variation 2085850 (VCV002085850.4), dbSNP rs745581446, ClinGen allele CA221654468.

ClinVar aggregate classification (germline): Uncertain significance. Review status: criteria provided, multiple submitters, no conflicts (2 of 4 stars). 2 submissions from 2 submitters: Uncertain significance (2). Last evaluated 2025-06-11.

Conditions:
Sclerosteosis 2 (SOST2). Identifiers: Orphanet 3152, MedGen C3280402, MONDO:0013679, OMIM 614305.
Congenital myasthenic syndrome 17. Identifiers: Orphanet 590, MedGen C4225377, MONDO:0014578, OMIM 616304.
Cenani-Lenz syndactyly syndrome. Also called: CENANI SYNDACTYLISM; SYNDACTYLY, TYPE VII. Identifiers: Orphanet 3258, MedGen C1859309, MONDO:0008931, OMIM 212780.

Allele frequency attached by ClinVar (database versions not stated): gnomAD 0.00001; TOPMed 0.00001.

Submissions (2):

Women's Health and Genetics/Laboratory Corporation of America, LabCorp
Classification: Uncertain significance. Last evaluated: 2025-06-11. Review status: criteria provided, single submitter. Criteria: LabCorp Variant Classification Summary - May 2015. Collection method: clinical testing. Allele origin: germline.
Comment: Variant summary: LRP4 c.616G>A (p.Asp206Asn) results in a conservative amino acid change in the encoded protein sequence. Algorithms developed to predict the effect of missense changes on protein structure and function are either unavailable or do not agree on the potential impact of this missense change. The variant was absent in 250796 control chromosomes. The available data on variant occurrences in the general population are insufficient to allow any conclusion about variant significance. To our knowledge, no occurrence of c.616G>A in individuals affected with LRP4-Related Disorders and no experimental evidence demonstrating its impact on protein function have been reported. ClinVar contains an entry for this variant (Variation ID: 2085850). Based on the evidence outlined above, the variant was classified as uncertain significance.

Labcorp Genetics (formerly Invitae), Labcorp
Classification: Uncertain significance for Cenani-Lenz syndactyly syndrome; Sclerosteosis 2; Congenital myasthenic syndrome 17. Last evaluated: 2022-07-06. Review status: criteria provided, single submitter. Criteria: Invitae Variant Classification Sherloc (09022015). Collection method: clinical testing. Allele origin: germline.
Comment: This sequence change replaces aspartic acid, which is acidic and polar, with asparagine, which is neutral and polar, at codon 206 of the LRP4 protein (p.Asp206Asn). This variant is not present in population databases (gnomAD no frequency). This variant has not been reported in the literature in individuals affected with LRP4-related conditions. Algorithms developed to predict the effect of missense changes on protein structure and function are either unavailable or do not agree on the potential impact of this missense change (SIFT: "Deleterious"; PolyPhen-2: "Benign"; Align-GVGD: "Class C0"). In summary, the available evidence is currently insufficient to determine the role of this variant in disease. Therefore, it has been classified as a Variant of Uncertain Significance.